The following is an entry in ClinVar:

NM_198578.4(LRRK2):c.5796G>C (p.Leu1932Phe)

Gene: LRRK2 (leucine rich repeat kinase 2; plus strand). Cytogenetic location: 12q12.
Variant type: single nucleotide variant.
Coding change: c.5796G>C on transcript NM_198578.4 (MANE Select); coding-DNA position 5796, G replaced by C.
Protein change: p.Leu1932Phe; replaces leucine 1932 with phenylalanine.
Molecular consequence: missense variant.
Genome position (GRCh38, 1-based): chr12:40,335,005, G>C. VCF-style: chr12-40335005-G-C. GRCh37 (hg19) VCF-style: chr12-40728807-G-C.
Other names: short protein forms L1932F.
Identifiers: ClinVar variation 1749683 (VCV001749683.2), dbSNP rs2499930187, ClinGen allele CA384401939.

ClinVar aggregate classification (germline): Uncertain significance (1 of 4 stars; one submission).

Conditions:
Inborn genetic diseases. Identifiers: MedGen C0950123, MeSH D030342.

Allele frequency attached by ClinVar (database versions not stated): gnomAD exomes below 0.00001.
gnomAD v4.1: 1 of 1,614,090 alleles (0.000062%); highest among the groups gnomAD compares: Non-Finnish European, 0.000085%; no homozygotes.

Submission:

Ambry Genetics
Classification: Uncertain significance for Inborn genetic diseases. Last evaluated: 2024-03-14. Review status: criteria provided, single submitter. Criteria: Ambry Variant Classification Scheme 2023. Collection method: clinical testing. Allele origin: germline.
Comment: The p.L1932F variant (also known as c.5796G>C), located in coding exon 40 of the LRRK2 gene, results from a G to C substitution at nucleotide position 5796. The leucine at codon 1932 is replaced by phenylalanine, an amino acid with highly similar properties. This amino acid position is conserved. In addition, this alteration is predicted to be deleterious by in silico analysis. Since supporting evidence is limited at this time, the clinical significance of this alteration remains unclear.